The following is an entry in ClinVar:

NM_000441.2(SLC26A4):c.1173C>A (p.Ser391Arg)

Gene: SLC26A4 (solute carrier family 26 member 4; plus strand). Cytogenetic location: 7q22.3.
Variant type: single nucleotide variant.
Coding change: c.1173C>A on transcript NM_000441.2 (MANE Select); coding-DNA position 1173, C replaced by A.
Protein change: p.Ser391Arg; replaces serine 391 with arginine.
Molecular consequence: missense variant.
Genome position (GRCh38, 1-based): chr7:107,690,147, C>A. VCF-style: chr7-107690147-C-A. GRCh37 (hg19) VCF-style: chr7-107330592-C-A.
Other names: short protein forms S391R.
Identifiers: ClinVar variation 371146 (VCV000371146.4), dbSNP rs1057517042, ClinGen allele CA16041107.
Genomic context (GRCh38, chr7:107,690,147, plus strand): 5'-AATTTGTAGGATCGTTGTCATCCAGTCTCTTCCTTAGGAATTCATTGCCTTTGGGATCAG[C>A]AACATCTTCTCAGGATTCTTCTCTTGTTTTGTGGCCACCACTGCTCTTTCCCGCACGGCC-3'
Protein context (NP_000432.1, residues 381-401): GNQEFIAFGI[Ser391Arg]NIFSGFFSCF

ClinVar aggregate classification (germline): Pathogenic. Review status: criteria provided, single submitter (1 of 4 stars). 2 submissions from 2 submitters: Pathogenic (1). 1 of the submissions does not count toward it. Last evaluated 2025-06-27.

Conditions:
Pendred syndrome (PDS). Also called: HYPOTHYROIDISM, CONGENITAL, DUE TO DYSHORMONOGENESIS, 2B; Pendred's syndrome; THYROID DYSHORMONOGENESIS 2B; THYROID HORMONOGENESIS, GENETIC DEFECT IN, 2B; Pendred Syndrome (PDS); DEAFNESS WITH GOITER. Identifiers: Orphanet 705, MedGen C0271829, MONDO:0010134, OMIM 274600.

Submissions (2):

Women's Health and Genetics/Laboratory Corporation of America, LabCorp
Classification: Pathogenic for Pendred syndrome. Last evaluated: 2025-06-27. Review status: criteria provided, single submitter. Criteria: LabCorp Variant Classification Summary - May 2015. Collection method: clinical testing. Allele origin: germline.
Comment: Variant summary: SLC26A4 c.1173C>A (p.Ser391Arg) results in a non-conservative amino acid change in the encoded protein sequence. Algorithms developed to predict the effect of missense changes on protein structure and function all suggest that this variant is likely to be disruptive. The variant was absent in 251084 control chromosomes (gnomAD). c.1173C>A has been observed in multiple individuals affected with enlarged vestibular aqueduct and hearing loss (Albert_2006, Yao_2013, Zhao_2019, Tian_2021, Wu_2022, Ma_2023). These data indicate that the variant is very likely to be associated with disease. To our knowledge, no experimental evidence demonstrating an impact on protein function has been reported. The following publications have been ascertained in the context of this evaluation (PMID: 16570074, 36597107, 34170635, 35982127, 23385134, 30554688). ClinVar contains an entry for this variant (Variation ID: 371146). Based on the evidence outlined above, the variant was classified as pathogenic.

Counsyl
Classification: Likely pathogenic for Pendred syndrome. Last evaluated: 2016-07-13. Review status: no assertion criteria provided. Collection method: clinical testing. Allele origin: unknown. Not counted in ClinVar's aggregate classification.

Literature cited by the submitters: PubMed 23385134 (cited by Women's Health and Genetics/Laboratory Corporation of America, LabCorp and Counsyl); PubMed 16570074 (cited by Women's Health and Genetics/Laboratory Corporation of America, LabCorp and Counsyl); PubMed 34170635 (cited by Women's Health and Genetics/Laboratory Corporation of America, LabCorp); PubMed 35982127 (cited by Women's Health and Genetics/Laboratory Corporation of America, LabCorp); PubMed 36597107 (cited by Women's Health and Genetics/Laboratory Corporation of America, LabCorp); PubMed 30554688 (cited by Women's Health and Genetics/Laboratory Corporation of America, LabCorp); PubMed 19040761 (cited by Counsyl); PubMed 19786220 (cited by Counsyl); PubMed 22289209 (cited by Counsyl); PubMed 27247933 (cited by Counsyl).